The following is an entry in ClinVar:

ClinVar aggregate classification (germline): Likely benign (0 of 4 stars; one submission).

Conditions:
MCPH1-related disorder. Also called: MCPH1-related condition.

gnomAD v4.1: 2 of 1,613,056 alleles (0.00012%); highest among the groups gnomAD compares: Admixed American, 0.0033%; no homozygotes.

Submission:

PreventionGenetics, part of Exact Sciences
Classification: Likely benign for MCPH1-related condition. Last evaluated: 2022-04-21. Review status: no assertion criteria provided. Collection method: clinical testing. Allele origin: germline.
Comment: This variant is classified as likely benign based on ACMG/AMP sequence variant interpretation guidelines (Richards et al. 2015 PMID: 25741868, with internal and published modifications).

NM_024596.5(MCPH1):c.2214C>G (p.Pro738=)

Genes: ANGPT2 (angiopoietin 2; minus strand), MCPH1 (microcephalin 1; plus strand). Cytogenetic location: 8p23.1.
Variant type: single nucleotide variant.
Coding change: c.2214C>G on transcript NM_024596.5 (MANE Select); coding-DNA position 2214, C replaced by G.
Protein change: p.Pro738=; no amino-acid change (proline 738 retained).
Molecular consequence: synonymous variant. On other transcripts: 3 prime UTR variant (6), intron variant (1).
Genome position (GRCh38, 1-based): chr8:6,499,929, C>G. VCF-style: chr8-6499929-C-G. GRCh37 (hg19) VCF-style: chr8-6357450-C-G.
Other names: c.*3172G>C (NM_001118887.2, NM_001118888.2, NM_001147.3 and 1 more transcripts); c.*3320G>C (NM_001386336.1, NM_001386337.1); c.2214C>G, p.Pro738= (NM_001322042.2, NM_001363979.1, NM_001410916.1 and 1 more transcripts); c.1935+44677C>G (NM_001363980.2).
Identifiers: ClinVar variation 3057896 (VCV003057896.2), dbSNP rs35344839, ClinGen allele CA4610862.